The following is an entry in ClinVar:

ClinVar aggregate classification (germline): Uncertain significance (1 of 4 stars; one submission).

gnomAD v4.1: 1 of 1,568,434 alleles (0.000064%); highest among the groups gnomAD compares: Non-Finnish European, 0.000087%; no homozygotes.

Submission:

Ambry Genetics
Classification: Uncertain significance. Last evaluated: 2026-07-21. Review status: criteria provided, single submitter. Criteria: Ambry Variant Classification Scheme 2023. Collection method: clinical testing. Allele origin: germline.
Comment: The p.L1281P variant (also known as c.3842T>C), located in coding exon 14 of the CDK12 gene, results from a T to C substitution at nucleotide position 3842. The leucine at codon 1281 is replaced by proline, an amino acid with similar properties. This amino acid position is conserved. In addition, the in silico prediction for this alteration is inconclusive. Based on the available evidence, the clinical significance of this variant remains unclear.

NM_016507.4(CDK12):c.3842T>C (p.Leu1281Pro)

Gene: CDK12 (cyclin dependent kinase 12; plus strand). Cytogenetic location: 17q12.
Variant type: single nucleotide variant.
Coding change: c.3842T>C on transcript NM_016507.4 (MANE Select); coding-DNA position 3842, T replaced by C.
Protein change: p.Leu1281Pro; replaces leucine 1281 with proline.
Molecular consequence: missense variant.
Genome position (GRCh38, 1-based): chr17:39,530,685, T>C. VCF-style: chr17-39530685-T-C. GRCh37 (hg19) VCF-style: chr17-37686938-T-C.
Other names: c.3815T>C, p.Leu1272Pro (NM_015083.4); short protein forms L1281P, L1272P.
Identifiers: ClinVar variation 5034109 (VCV005034109.1).